The following is an entry in ClinVar:

ClinVar aggregate classification (germline): Uncertain significance. Review status: criteria provided, multiple submitters, no conflicts (2 of 4 stars). 3 submissions from 3 submitters: Uncertain significance (3). Last evaluated 2026-01-29.

Conditions:
Inborn genetic diseases. Identifiers: MedGen C0950123, MeSH D030342.
Myopathy, proximal, and ophthalmoplegia (CMYO6). Also called: INCLUSION BODY MYOPATHY 3, AUTOSOMAL DOMINANT; CONGENITAL MYOPATHY 6 WITH OPHTHALMOPLEGIA; MYOPATHY WITH CONGENITAL JOINT CONTRACTURES, OPHTHALMOPLEGIA, AND RIMMED VACUOLES. Identifiers: Orphanet 363677, Orphanet 79091, MedGen C1854106, MONDO:0011577, OMIM 605637.

Allele frequency attached by ClinVar (database versions not stated): gnomAD exomes 0.00002 and 0.00008; ExAC 0.00008; gnomAD 0.00025 and 0.00031; TOPMed 0.00025.
gnomAD v4.1: 76 of 1,609,334 alleles (0.0047%); highest among the groups gnomAD compares: African/African-American, 0.088%; 1 homozygote.

Submissions (3):

GeneDx
Classification: Uncertain significance. Last evaluated: 2026-01-29. Review status: criteria provided, single submitter. Criteria: GeneDx Variant Classification Process June 2021. Collection method: clinical testing. Allele origin: germline. Affected: yes.
Comment: In silico analysis suggests that this missense variant does not alter protein structure/function; Has not been previously published as pathogenic or benign to our knowledge

Labcorp Genetics (formerly Invitae), Labcorp
Classification: Uncertain significance for Myopathy, proximal, and ophthalmoplegia. Last evaluated: 2025-11-21. Review status: criteria provided, single submitter. Criteria: Invitae Variant Classification Sherloc (09022015). Collection method: clinical testing. Allele origin: germline.
Comment: This sequence change replaces threonine, which is neutral and polar, with isoleucine, which is neutral and non-polar, at codon 293 of the MYH2 protein (p.Thr293Ile). This variant is present in population databases (rs774544504, gnomAD 0.1%). This variant has not been reported in the literature in individuals affected with MYH2-related conditions. ClinVar contains an entry for this variant (Variation ID: 1005029). An algorithm developed to predict the effect of missense changes on protein structure and function (PolyPhen-2) suggests that this variant is likely to be tolerated. In summary, the available evidence is currently insufficient to determine the role of this variant in disease. Therefore, it has been classified as a Variant of Uncertain Significance.

Ambry Genetics
Classification: Uncertain significance for Inborn genetic diseases. Last evaluated: 2024-11-25. Review status: criteria provided, single submitter. Criteria: Ambry Variant Classification Scheme 2023. Collection method: clinical testing. Allele origin: germline.

NM_017534.6(MYH2):c.878C>T (p.Thr293Ile)

Genes: MYHAS (myosin heavy chain gene cluster antisense RNA; plus strand), MYH2 (myosin heavy chain 2; minus strand). Cytogenetic location: 17p13.1.
Variant type: single nucleotide variant.
Coding change: c.878C>T on transcript NM_017534.6 (MANE Select); coding-DNA position 878, C replaced by T.
Protein change: p.Thr293Ile; replaces threonine 293 with isoleucine.
Molecular consequence: missense variant.
Genome position (GRCh38, 1-based): chr17:10,542,901, G>A on the plus strand (C>T on the coding strand, the complement: MYH2 is on the minus strand). VCF-style: chr17-10542901-G-A. GRCh37 (hg19) VCF-style: chr17-10446218-G-A.
Other names: c.878C>T, p.Thr293Ile (NM_001100112.2); short protein forms T293I.
Identifiers: ClinVar variation 1005029 (VCV001005029.11), dbSNP rs774544504, ClinGen allele CA8391505.